The following is an entry in ClinVar:

ClinVar aggregate classification (germline): Conflicting classifications of pathogenicity. Review status: criteria provided, conflicting classifications (1 of 4 stars). 3 submissions from 3 submitters: Uncertain significance (1); Likely benign (2). Last evaluated 2026-01-24.

Conditions:
Congenital myotonia, autosomal recessive form. Also called: myotonia congenita, autosomal recessive; BECKER DISEASE; Becker Generalized Myotonia. Identifiers: Orphanet 614, MedGen C0751360, MONDO:0009715, OMIM 255700.
Congenital myotonia, autosomal dominant form (THD). Also called: THOMSEN DISEASE; Myotonia congenita autosomal dominant. Identifiers: Orphanet 614, MedGen C2936781, MONDO:0008055, OMIM 160800.

Allele frequency attached by ClinVar (database versions not stated): gnomAD exomes 0.00034; ExAC 0.00035; ESP Exome Variant Server 0.00092; gnomAD 0.00127 and 0.00132; TOPMed 0.00141; 1000 Genomes Project 30x 0.00156; 1000 Genomes Project 0.00200.
gnomAD v4.1: 390 of 1,612,644 alleles (0.024%); highest among the groups gnomAD compares: African/African-American, 0.44%; 2 homozygotes.

Submissions (3):

Labcorp Genetics (formerly Invitae), Labcorp
Classification: Likely benign for Congenital myotonia, autosomal recessive form; Congenital myotonia, autosomal dominant form. Last evaluated: 2026-01-24. Review status: criteria provided, single submitter. Criteria: Invitae Variant Classification Sherloc (09022015). Collection method: clinical testing. Allele origin: germline.

Athena Diagnostics
Classification: Likely benign. Last evaluated: 2023-11-01. Review status: criteria provided, single submitter. Criteria: Athena Diagnostics Criteria. Collection method: clinical testing. Allele origin: unknown.

GeneDx
Classification: Uncertain significance. Last evaluated: 2018-03-20. Review status: criteria provided, single submitter. Criteria: GeneDx Variant Classification (06012015). Collection method: clinical testing. Allele origin: germline. Affected: yes.
Comment: A variant of uncertain significance has been identified in the CLCN1 gene. The F494L variant has not been published as a pathogenic variant, nor has it been reported as a benign variant to our knowledge. The F494L variant is observed in 37/10402 (0.4%) alleles from individuals of African background, in the ExAC dataset (Lek et al., 2016; 1000 Genomes Consortium et al., 2015; Exome Variant Server). The F494L variant is a conservative amino acid substitution, which is not likely to impact secondary protein structure as these residues share similar properties. However, this substitution occurs at a position that is conserved across species, and in silico analysis predicts this variant is probably damaging to the protein structure/function. Additionally, a missense variant at the same residue (F494S) and in nearby residues (A493E/V, R496S, G499R) have been reported in the Human Gene Mutation Database in association with CLCN1-related disorders (Stenson et al., 2014), supporting the functional importance of this region of the protein. Therefore, based on the currently available information, it is unclear whether this variant is a pathogenic variant or a rare benign variant.

Literature cited by the submitters: PubMed 34529042 (cited by Athena Diagnostics).

NM_000083.3(CLCN1):c.1480T>C (p.Phe494Leu)

Gene: CLCN1 (chloride voltage-gated channel 1; plus strand). Cytogenetic location: 7q34.
Variant type: single nucleotide variant.
Coding change: c.1480T>C on transcript NM_000083.3 (MANE Select); coding-DNA position 1480, T replaced by C.
Protein change: p.Phe494Leu; replaces phenylalanine 494 with leucine.
Molecular consequence: missense variant. On other transcripts: non-coding transcript variant (1).
Genome position (GRCh38, 1-based): chr7:143,339,519, T>C. VCF-style: chr7-143339519-T-C. GRCh37 (hg19) VCF-style: chr7-143036612-T-C.
Other names: short protein forms F494L.
Identifiers: ClinVar variation 418134 (VCV000418134.18), dbSNP rs147493705, ClinGen allele CA4537404.
Genomic context (GRCh38, chr7:143,339,519, plus strand): 5'-AGCAAGGAACTTGGATCTCGTAACACCTTCCTTCCTTTTATCTTCCCTCTAGGAGCTGCA[T>C]TTGGAAGGCTGGTAGGAGAAATCATGGCCATGCTCTTTCCTGATGGTATTTTGTTTGATG-3'
Protein context (NP_000074.3, residues 484-504): FMPVFVLGAA[Phe494Leu]GRLVGEIMAM